The following is an entry in ClinVar:

ClinVar aggregate classification (germline): Uncertain significance (1 of 4 stars; one submission).

Submission:

Women's Health and Genetics/Laboratory Corporation of America, LabCorp
Classification: Uncertain significance. Last evaluated: 2026-01-05. Review status: criteria provided, single submitter. Criteria: LabCorp Variant Classification Summary - May 2015. Collection method: clinical testing. Allele origin: germline.
Comment: Variant summary: The variant involves the deletion of exons 2-3 in the DDHD1 gene. A presumed nomenclature of c.(838+1_839-1)_(1033+1_1034-1)del has been designated for the purposes of this classification. This Copy Number Variant (CNV) is predicted to result in an in-frame deletion within this gene. Loss-of-function variants in this gene are known to be pathogenic. The variant was absent in 120768 control chromosomes in the gnomAD database (Structural Variants v4.1 dataset). The available data on variant occurrences in the general population are insufficient to allow any conclusion about variant significance. To our knowledge, no occurrence of c.(838+1_839-1)_(1033+1_1034-1)del in individuals affected with DDHD1-related conditions and no experimental evidence demonstrating its impact on protein function have been reported. No submitters have cited clinical-significance assessments for this variant to ClinVar. Based on the evidence outlined above, the variant was classified as uncertain significance.

NC_000014.8:g.(53560163_53569748)_(53570575_53618978)del

Gene: DDHD1 (DDHD domain containing 1; minus strand). Cytogenetic location: 14q22.1.
Variant type: Deletion.
Identifiers: ClinVar variation 4689654 (VCV004689654.1).